The following is an entry in ClinVar:

ClinVar aggregate classification (germline): Uncertain significance (1 of 4 stars; one submission).

Conditions:
Loeys-Dietz syndrome 2 (LDS2). Also called: TGFBR2-Related Loeys-Dietz Syndrome; Marfan Syndrome type 2; Marfan like connective tissue disorder; MFS 2; Marfan syndrome, type 2 (formerly); AORTIC ANEURYSM, FAMILIAL THORACIC 3. Identifiers: Orphanet 284973, Orphanet 558, MedGen C2674574, MONDO:0012427, OMIM 610168.

Allele frequency attached by ClinVar (database versions not stated): gnomAD exomes below 0.00001; TOPMed below 0.00001.
gnomAD v4.1: 1 of 1,410,522 alleles (0.000071%); highest among the groups gnomAD compares: Non-Finnish European, 0.000092%; no homozygotes.

Submission:

Labcorp Genetics (formerly Invitae), Labcorp
Classification: Uncertain significance for Loeys-Dietz syndrome 2. Last evaluated: 2023-10-13. Review status: criteria provided, single submitter. Criteria: Invitae Variant Classification Sherloc (09022015). Collection method: clinical testing. Allele origin: germline.
Comment: This sequence change falls in intron 1 of the TMPO gene. It does not directly change the encoded amino acid sequence of the TMPO protein. It affects a nucleotide within the consensus splice site. This variant is not present in population databases (gnomAD no frequency). This variant has not been reported in the literature in individuals affected with TMPO-related conditions. ClinVar contains an entry for this variant (Variation ID: 1472580). Variants that disrupt the consensus splice site are a relatively common cause of aberrant splicing (PMID: 17576681, 9536098). Algorithms developed to predict the effect of sequence changes on RNA splicing suggest that this variant is not likely to affect RNA splicing. In summary, the available evidence is currently insufficient to determine the role of this variant in disease. Therefore, it has been classified as a Variant of Uncertain Significance.

Literature cited by the submitters: PubMed 17576681; PubMed 9536098.

NM_001032283.3(TMPO):c.279+4A>C

Genes: TMPO (thymopoietin; plus strand), TMPO-AS1 (TMPO antisense RNA 1; minus strand), LOC130008520 (ATAC-STARR-seq lymphoblastoid silent region 4752; plus strand). Cytogenetic location: 12q23.1.
Variant type: single nucleotide variant.
Coding change: c.279+4A>C on transcript NM_001032283.3 (MANE Select); 4 bases into the intron after coding-DNA position 279, A replaced by C.
Molecular consequence: intron variant. On other transcripts: non-coding transcript variant (1).
Genome position (GRCh38, 1-based): chr12:98,516,150, A>C. VCF-style: chr12-98516150-A-C. GRCh37 (hg19) VCF-style: chr12-98909928-A-C.
Other names: c.279+4A>C (NM_003276.2, NM_001307975.2, NM_001032284.3).
Identifiers: ClinVar variation 1472580 (VCV001472580.6), dbSNP rs1875782829, ClinGen allele CA481589890.